The following is an entry in ClinVar:

NM_005458.8(GABBR2):c.1977C>T (p.Ile659=)

Gene: GABBR2 (gamma-aminobutyric acid type B receptor subunit 2; minus strand). Cytogenetic location: 9q22.33.
Variant type: single nucleotide variant.
Coding change: c.1977C>T on transcript NM_005458.8 (MANE Select); coding-DNA position 1977, C replaced by T.
Protein change: p.Ile659=; no amino-acid change (isoleucine 659 retained).
Molecular consequence: synonymous variant.
Genome position (GRCh38, 1-based): chr9:98,311,122, G>A on the plus strand (C>T on the coding strand, the complement: GABBR2 is on the minus strand). VCF-style: chr9-98311122-G-A. GRCh37 (hg19) VCF-style: chr9-101073404-G-A.
Identifiers: ClinVar variation 741721 (VCV000741721.14), dbSNP rs140073399, ClinGen allele CA5152561.

ClinVar aggregate classification (germline): Benign/Likely benign. Review status: criteria provided, multiple submitters, no conflicts (2 of 4 stars). 3 submissions from 3 submitters: Benign (1); Likely benign (1). 1 of the submissions does not count toward it. Last evaluated 2025-05-11.

Conditions:
GABBR2-related disorder. Also called: GABBR2-related disorders; GABBR2-related condition.
Epileptic encephalopathy. Identifiers: MedGen C0543888, HP:0200134.

Allele frequency attached by ClinVar (database versions not stated): ExAC 0.00010; gnomAD exomes 0.00010 and 0.00009; gnomAD 0.00011 and 0.00014; TOPMed 0.00022; ESP Exome Variant Server 0.00038.
gnomAD v4.1: 160 of 1,608,590 alleles (0.0099%); highest among the groups gnomAD compares: African/African-American, 0.043%; no homozygotes.

Submissions (3):

Labcorp Genetics (formerly Invitae), Labcorp
Classification: Likely benign for Epileptic encephalopathy. Last evaluated: 2025-05-11. Review status: criteria provided, single submitter. Criteria: Invitae Variant Classification Sherloc (09022015). Collection method: clinical testing. Allele origin: germline.

GeneDx
Classification: Benign. Last evaluated: 2020-07-20. Review status: criteria provided, single submitter. Criteria: GeneDx Variant Classification Process June 2021. Collection method: clinical testing. Allele origin: germline. Affected: yes.

PreventionGenetics, part of Exact Sciences
Classification: Likely benign for GABBR2-related condition. Last evaluated: 2019-08-13. Review status: no assertion criteria provided. Collection method: clinical testing. Allele origin: germline. Not counted in ClinVar's aggregate classification.
Comment: This variant is classified as likely benign based on ACMG/AMP sequence variant interpretation guidelines (Richards et al. 2015 PMID: 25741868, with internal and published modifications).